The following is an entry in ClinVar:

NM_000051.4(ATM):c.6874C>T (p.Gln2292Ter)

Genes: ATM (ATM serine/threonine kinase; plus strand), C11orf65 (chromosome 11 open reading frame 65; minus strand). Cytogenetic location: 11q22.3.
Variant type: single nucleotide variant.
Coding change: c.6874C>T on transcript NM_000051.4 (MANE Select); coding-DNA position 6874, C replaced by T.
Protein change: p.Gln2292Ter; replaces glutamine 2292 with a stop codon.
Molecular consequence: nonsense. On other transcripts: intron variant (2).
Genome position (GRCh38, 1-based): chr11:108,326,124, C>T. VCF-style: chr11-108326124-C-T. GRCh37 (hg19) VCF-style: chr11-108196851-C-T.
Other names: c.6874C>T, p.Gln2292Ter (NM_001351834.2); c.641-17053G>A (NM_001330368.2); c.*38+9096G>A (NM_001351110.2); short protein forms Q2292*.
Identifiers: ClinVar variation 3148173 (VCV003148173.1), dbSNP rs2136334661, ClinGen allele CA382556792.

ClinVar aggregate classification (germline): Pathogenic (1 of 4 stars; one submission).

Conditions:
Familial cancer of breast. Also called: hereditary breast carcinoma; BREAST CANCER, FAMILIAL; Hereditary breast cancer. Identifiers: Orphanet 227535, MedGen C0346153, MONDO:0016419, OMIM 114480. Disease mechanism: loss of function.

Submission:

Myriad Genetics, Inc.
Classification: Pathogenic for Familial cancer of breast. Last evaluated: 2024-01-30. Review status: criteria provided, single submitter. Criteria: Myriad Autosomal Dominant, Autosomal Recessive and X-Linked Classification Criteria (2023). Collection method: clinical testing. Allele origin: unknown.
Comment: This variant is considered pathogenic. This variant creates a termination codon and is predicted to result in premature protein truncation.